The following is an entry in ClinVar:

ClinVar aggregate classification (germline): Conflicting classifications of pathogenicity. Review status: criteria provided, conflicting classifications (1 of 4 stars). 5 submissions from 5 submitters: Uncertain significance (2); Benign (1); Likely benign (2). Last evaluated 2026-01-08.

Conditions:
Connective tissue disorder. Also called: Connective tissue disease. Identifiers: MedGen C0009782, MONDO:0003900.
IFT80-related disorder. Also called: IFT80-related condition.
Asphyxiating thoracic dystrophy 2 (SRTD2). Also called: SHORT-RIB THORACIC DYSPLASIA 2 WITH OR WITHOUT POLYDACTYLY; SHORT-RIB THORACIC DYSPLASIA 2 WITH POLYDACTYLY; SHORT-RIB THORACIC DYSPLASIA 2 WITHOUT POLYDACTYLY. Identifiers: Orphanet 474, MedGen C1970005, MONDO:0012644, OMIM 611263.
Inborn genetic diseases. Identifiers: MedGen C0950123, MeSH D030342.
Jeune thoracic dystrophy. Also called: Infantile thoracic dystrophy; Thoracic pelvic phalangeal dystrophy; Jeune's syndrome; Chondroectodermal dysplasia-like syndrome; Jeune syndrome; Short-rib thoracic dysplasia. Identifiers: Orphanet 474, MedGen C0265275, MONDO:0018770.

Allele frequency attached by ClinVar (database versions not stated): gnomAD 0.00001 and 0.00012; TOPMed 0.00002; gnomAD exomes 0.00019 and 0.00035; ExAC 0.00046; 1000 Genomes Project 30x 0.00078; 1000 Genomes Project 0.00100.
gnomAD v4.1: 286 of 1,591,200 alleles (0.018%); highest among the groups gnomAD compares: South Asian, 0.31%; 6 homozygotes.

Submissions (5):

PreventionGenetics, part of Exact Sciences
Classification: Likely benign for IFT80-related condition. Last evaluated: 2026-01-08. Review status: criteria provided, single submitter. Criteria: ACMG Guidelines, 2015. Collection method: clinical testing. Allele origin: germline.
Comment: This variant is classified as likely benign based on ACMG/AMP sequence variant interpretation guidelines (Richards et al. 2015 PMID: 25741868, with internal and published modifications).

Labcorp Genetics (formerly Invitae), Labcorp
Classification: Benign for Jeune thoracic dystrophy. Last evaluated: 2025-05-15. Review status: criteria provided, single submitter. Criteria: Invitae Variant Classification Sherloc (09022015). Collection method: clinical testing. Allele origin: germline.

Ambry Genetics
Classification: Uncertain significance for Inborn genetic diseases. Last evaluated: 2022-11-08. Review status: criteria provided, single submitter. Criteria: Ambry Variant Classification Scheme 2023. Collection method: clinical testing. Allele origin: germline.

Genome Diagnostics Laboratory, The Hospital for Sick Children
Classification: Likely benign for Connective tissue disorder. Last evaluated: 2021-11-01. Review status: criteria provided, single submitter. Criteria: ACMG Guidelines, 2015. Collection method: clinical testing. Allele origin: germline.

Illumina Laboratory Services, Illumina
Classification: Uncertain significance for Asphyxiating thoracic dystrophy 2. Last evaluated: 2018-01-13. Review status: criteria provided, single submitter. Criteria: ICSL Variant Classification Criteria 13 December 2019. Collection method: clinical testing. Allele origin: germline.

NM_020800.3(IFT80):c.1499A>G (p.Glu500Gly)

Genes: IFT80 (intraflagellar transport 80; minus strand), TRIM59-IFT80 (TRIM59-IFT80 readthrough (NMD candidate); minus strand). Cytogenetic location: 3q25.33.
Variant type: single nucleotide variant.
Coding change: c.1499A>G on transcript NM_020800.3 (MANE Select); coding-DNA position 1499, A replaced by G.
Protein change: p.Glu500Gly; replaces glutamic acid 500 with glycine.
Molecular consequence: missense variant. On other transcripts: non-coding transcript variant (3).
Genome position (GRCh38, 1-based): chr3:160,282,495, T>C on the plus strand (A>G on the coding strand, the complement: IFT80 is on the minus strand). VCF-style: chr3-160282495-T-C. GRCh37 (hg19) VCF-style: chr3-160000283-T-C.
Other names: c.1088A>G, p.Glu363Gly (NM_001190241.2, NM_001190242.2); short protein forms E363G, E500G.
Identifiers: ClinVar variation 902942 (VCV000902942.22), dbSNP rs554335278, ClinGen allele CA2685137.